The following is an entry in ClinVar:

ClinVar aggregate classification (germline): Uncertain significance (1 of 4 stars; one submission).

Conditions:
Multiple mitochondrial dysfunctions syndrome 3 (MMDS3). Identifiers: Orphanet 363424, MedGen C3809165, MONDO:0014132, OMIM 615330.
Hereditary spastic paraplegia 74. Also called: Spastic paraplegia 74, autosomal recessive. Identifiers: Orphanet 468661, MedGen C5568837, MONDO:0014644, OMIM 616451.

Allele frequency attached by ClinVar (database versions not stated): TOPMed below 0.00001.
gnomAD v4.1: 3 of 1,612,840 alleles (0.00019%); highest among the groups gnomAD compares: South Asian, 0.0022%; no homozygotes.

Submission:

Labcorp Genetics (formerly Invitae), Labcorp
Classification: Uncertain significance for Multiple mitochondrial dysfunctions syndrome 3; Hereditary spastic paraplegia 74. Last evaluated: 2022-09-12. Review status: criteria provided, single submitter. Criteria: Invitae Variant Classification Sherloc (09022015). Collection method: clinical testing. Allele origin: germline.
Comment: In summary, the available evidence is currently insufficient to determine the role of this variant in disease. Therefore, it has been classified as a Variant of Uncertain Significance. Advanced modeling of protein sequence and biophysical properties (such as structural, functional, and spatial information, amino acid conservation, physicochemical variation, residue mobility, and thermodynamic stability) performed at Invitae indicates that this missense variant is expected to disrupt IBA57 protein function. ClinVar contains an entry for this variant (Variation ID: 1496294). This missense change has been observed in individual(s) with multiple mitochondrial dysfunctions syndrome (PMID: 29353736, 32180488). This variant is not present in population databases (gnomAD no frequency). This sequence change replaces arginine, which is basic and polar, with cysteine, which is neutral and slightly polar, at codon 268 of the IBA57 protein (p.Arg268Cys).

Literature cited by the submitters: PubMed 29353736; PubMed 32180488.

NM_001010867.4(IBA57):c.802C>T (p.Arg268Cys)

Gene: IBA57 (iron-sulfur cluster assembly factor IBA57; plus strand). Cytogenetic location: 1q42.13.
Variant type: single nucleotide variant.
Coding change: c.802C>T on transcript NM_001010867.4 (MANE Select); coding-DNA position 802, C replaced by T.
Protein change: p.Arg268Cys; replaces arginine 268 with cysteine.
Molecular consequence: missense variant.
Genome position (GRCh38, 1-based): chr1:228,175,244, C>T. VCF-style: chr1-228175244-C-T. GRCh37 (hg19) VCF-style: chr1-228362945-C-T.
Other names: c.223C>T, p.Arg75Cys (NM_001310327.2); short protein forms R268C, R75C.
Identifiers: ClinVar variation 1496294 (VCV001496294.4), dbSNP rs1332185635, ClinGen allele CA345115470.